The following is an entry in ClinVar:

ClinVar aggregate classification (germline): Uncertain significance. Review status: criteria provided, multiple submitters, no conflicts (2 of 4 stars). 2 submissions from 2 submitters: Uncertain significance (2). Last evaluated 2023-10-28.

Conditions:
Hereditary cancer-predisposing syndrome. Also called: Neoplastic Syndromes, Hereditary; Tumor predisposition; Hereditary neoplastic syndrome; Hereditary Cancer Syndrome. Identifiers: Orphanet 140162, MedGen C0027672, MeSH D009386, MONDO:0015356.
Renal cell carcinoma. Identifiers: Orphanet 217071, MedGen C0007134, MeSH D002292, MONDO:0005086, HP:0005584.

Allele frequency attached by ClinVar (database versions not stated): gnomAD exomes below 0.00001; ExAC 0.00001.
gnomAD v4.1: 1 of 1,614,118 alleles (0.000062%); highest among the groups gnomAD compares: Non-Finnish European, 0.000085%; no homozygotes.

Submissions (2):

Labcorp Genetics (formerly Invitae), Labcorp
Classification: Uncertain significance for Renal cell carcinoma. Last evaluated: 2023-10-28. Review status: criteria provided, single submitter. Criteria: Invitae Variant Classification Sherloc (09022015). Collection method: clinical testing. Allele origin: germline.
Comment: This sequence change replaces phenylalanine, which is neutral and non-polar, with cysteine, which is neutral and slightly polar, at codon 253 of the MET protein (p.Phe253Cys). This variant is present in population databases (rs752495532, gnomAD 0.0009%). This variant has not been reported in the literature in individuals affected with MET-related conditions. ClinVar contains an entry for this variant (Variation ID: 2453406). Advanced modeling of protein sequence and biophysical properties (such as structural, functional, and spatial information, amino acid conservation, physicochemical variation, residue mobility, and thermodynamic stability) performed at Invitae indicates that this missense variant is expected to disrupt MET protein function with a positive predictive value of 80%. In summary, the available evidence is currently insufficient to determine the role of this variant in disease. Therefore, it has been classified as a Variant of Uncertain Significance.

Ambry Genetics
Classification: Uncertain significance for Hereditary cancer-predisposing syndrome. Last evaluated: 2023-01-27. Review status: criteria provided, single submitter. Criteria: Ambry Variant Classification Scheme 2023. Collection method: clinical testing. Allele origin: germline.
Comment: The p.F253C variant (also known as c.758T>G), located in coding exon 1 of the MET gene, results from a T to G substitution at nucleotide position 758. The phenylalanine at codon 253 is replaced by cysteine, an amino acid with highly dissimilar properties. This amino acid position is conserved. In addition, the in silico prediction for this alteration is inconclusive. Since supporting evidence is limited at this time, the clinical significance of this alteration remains unclear.

NM_000245.4(MET):c.758T>G (p.Phe253Cys)

Gene: MET (MET proto-oncogene, receptor tyrosine kinase; plus strand). Cytogenetic location: 7q31.2.
Variant type: single nucleotide variant.
Coding change: c.758T>G on transcript NM_000245.4 (MANE Select); coding-DNA position 758, T replaced by G.
Protein change: p.Phe253Cys; replaces phenylalanine 253 with cysteine.
Molecular consequence: missense variant. On other transcripts: intron variant (1).
Genome position (GRCh38, 1-based): chr7:116,699,842, T>G. VCF-style: chr7-116699842-T-G. GRCh37 (hg19) VCF-style: chr7-116339896-T-G.
Other names: c.758T>G, p.Phe253Cys (NM_001127500.3, NM_001324401.3); c.-91+27265T>G (NM_001324402.2); short protein forms F253C.
Identifiers: ClinVar variation 2453406 (VCV002453406.5), dbSNP rs752495532, ClinGen allele CA4448023.